The following is an entry in ClinVar:

ClinVar aggregate classification (germline): Benign/Likely benign. Review status: criteria provided, multiple submitters, no conflicts (2 of 4 stars). 3 submissions from 3 submitters: Benign (1); Likely benign (2). Last evaluated 2025-04-08.

Conditions:
Tuberous sclerosis 1 (TSC1). Identifiers: Orphanet 805, MedGen C1854465, MONDO:0008612, OMIM 191100.
Hereditary cancer-predisposing syndrome. Also called: Tumor predisposition; Hereditary Cancer Syndrome; Neoplastic Syndromes, Hereditary; Hereditary neoplastic syndrome. Identifiers: Orphanet 140162, MedGen C0027672, MeSH D009386, MONDO:0015356.

Allele frequency attached by ClinVar (database versions not stated): gnomAD exomes below 0.00001; ExAC 0.00001.
gnomAD v4.1: 1 of 1,614,230 alleles (0.000062%); highest among the groups gnomAD compares: African/African-American, 0.0013%; no homozygotes.

Submissions (3):

Myriad Genetics, Inc.
Classification: Benign for Tuberous sclerosis 1. Last evaluated: 2025-04-08. Review status: criteria provided, single submitter. Criteria: Myriad Autosomal Dominant, Autosomal Recessive and X-Linked Classification Criteria (2023). Collection method: clinical testing. Allele origin: unknown.
Comment: This variant is considered benign. This variant is a silent/synonymous amino acid change and it is not expected to impact splicing.

Labcorp Genetics (formerly Invitae), Labcorp
Classification: Likely benign for Tuberous sclerosis 1. Last evaluated: 2024-07-08. Review status: criteria provided, single submitter. Criteria: Invitae Variant Classification Sherloc (09022015). Collection method: clinical testing. Allele origin: germline.

Ambry Genetics
Classification: Likely benign for Hereditary cancer-predisposing syndrome. Last evaluated: 2023-08-11. Review status: criteria provided, single submitter. Criteria: Ambry Variant Classification Scheme 2023. Collection method: clinical testing. Allele origin: germline.

NM_000368.5(TSC1):c.633A>G (p.Glu211=)

Gene: TSC1 (TSC complex subunit 1; minus strand). Cytogenetic location: 9q34.13.
Variant type: single nucleotide variant.
Coding change: c.633A>G on transcript NM_000368.5 (MANE Select); coding-DNA position 633, A replaced by G.
Protein change: p.Glu211=; no amino-acid change (glutamic acid 211 retained).
Molecular consequence: synonymous variant.
Genome position (GRCh38, 1-based): chr9:132,921,849, T>C on the plus strand (A>G on the coding strand, the complement: TSC1 is on the minus strand). VCF-style: chr9-132921849-T-C. GRCh37 (hg19) VCF-style: chr9-135797236-T-C.
Other names: c.633A>G, p.Glu211= (NM_001162426.2); c.480A>G, p.Glu160= (NM_001162427.2); c.270A>G, p.Glu90= (NM_001362177.2).
Identifiers: ClinVar variation 757775 (VCV000757775.11), dbSNP rs753550247, ClinGen allele CA038294.